The following is an entry in ClinVar:

NM_144997.7(FLCN):c.1276A>G (p.Ile426Val)

Gene: FLCN (folliculin; minus strand). Cytogenetic location: 17p11.2.
Variant type: single nucleotide variant.
Coding change: c.1276A>G on transcript NM_144997.7 (MANE Select); coding-DNA position 1276, A replaced by G.
Protein change: p.Ile426Val; replaces isoleucine 426 with valine.
Molecular consequence: missense variant.
Genome position (GRCh38, 1-based): chr17:17,216,404, T>C on the plus strand (A>G on the coding strand, the complement: FLCN is on the minus strand). VCF-style: chr17-17216404-T-C. GRCh37 (hg19) VCF-style: chr17-17119718-T-C.
Other names: c.1276A>G (NM_144997.5); c.1330A>G, p.Ile444Val (NM_001353229.2); c.1276A>G, p.Ile426Val (NM_001353230.2, NM_001353231.2); short protein forms I444V, I426V.
Identifiers: ClinVar variation 1035038 (VCV001035038.7), dbSNP rs1296086439, ClinGen allele CA398531652.

ClinVar aggregate classification (germline): Uncertain significance. Review status: criteria provided, multiple submitters, no conflicts (2 of 4 stars). 2 submissions from 2 submitters: Uncertain significance (2). Last evaluated 2024-04-18.

Conditions:
Hereditary cancer-predisposing syndrome. Also called: Neoplastic Syndromes, Hereditary; Hereditary Cancer Syndrome; Tumor predisposition; Hereditary neoplastic syndrome. Identifiers: Orphanet 140162, MedGen C0027672, MeSH D009386, MONDO:0015356.
Birt-Hogg-Dube syndrome. Also called: Birt Hogg Dubé syndrome. Identifiers: Orphanet 122, MedGen C0346010, MONDO:0800444.

Submissions (2):

Labcorp Genetics (formerly Invitae), Labcorp
Classification: Uncertain significance for Birt-Hogg-Dube syndrome. Last evaluated: 2024-04-18. Review status: criteria provided, single submitter. Criteria: Invitae Variant Classification Sherloc (09022015). Collection method: clinical testing. Allele origin: germline.
Comment: This sequence change replaces isoleucine, which is neutral and non-polar, with valine, which is neutral and non-polar, at codon 426 of the FLCN protein (p.Ile426Val). This variant is not present in population databases (gnomAD no frequency). This variant has not been reported in the literature in individuals affected with FLCN-related conditions. ClinVar contains an entry for this variant (Variation ID: 1035038). Advanced modeling of protein sequence and biophysical properties (such as structural, functional, and spatial information, amino acid conservation, physicochemical variation, residue mobility, and thermodynamic stability) performed at Invitae indicates that this missense variant is not expected to disrupt FLCN protein function with a negative predictive value of 80%. In summary, the available evidence is currently insufficient to determine the role of this variant in disease. Therefore, it has been classified as a Variant of Uncertain Significance.

Ambry Genetics
Classification: Uncertain significance for Hereditary cancer-predisposing syndrome. Last evaluated: 2023-06-29. Review status: criteria provided, single submitter. Criteria: Ambry Variant Classification Scheme 2023. Collection method: clinical testing. Allele origin: germline.
Comment: The p.I426V variant (also known as c.1276A>G), located in coding exon 8 of the FLCN gene, results from an A to G substitution at nucleotide position 1276. The isoleucine at codon 426 is replaced by valine, an amino acid with highly similar properties. This amino acid position is conserved. In addition, this alteration is predicted to be tolerated by in silico analysis. Since supporting evidence is limited at this time, the clinical significance of this alteration remains unclear.